The following is an entry in ClinVar:

NC_000012.12:g.88192603GAG[1]

Gene: TMTC3 (transmembrane O-mannosyltransferase targeting cadherins 3; plus strand). Cytogenetic location: 12q21.32.
Variant type: Microsatellite.
Genome position: GRCh38 VCF-style: chr12-88192602-AGAG-A. GRCh37 (hg19) VCF-style: chr12-88586379-AGAG-A.
Identifiers: ClinVar variation 2009550 (VCV002009550.6), dbSNP rs772593291, ClinGen allele CA6713365.

ClinVar aggregate classification (germline): Uncertain significance. Review status: criteria provided, multiple submitters, no conflicts (2 of 4 stars). 2 submissions from 2 submitters: Uncertain significance (2). Last evaluated 2023-11-21.

Conditions:
Lissencephaly 8 (LIS8). Identifiers: MedGen C4310646, MONDO:0014992, OMIM 617255.

Submissions (2):

MVZ Medizinische Genetik Mainz
Classification: Uncertain significance for Lissencephaly 8. Last evaluated: 2023-11-21. Review status: criteria provided, single submitter. Criteria: UK Practice Guidelines For Variant Classification V4 01 2020. Collection method: clinical testing. Allele origin: germline. Inheritance: Autosomal recessive inheritance. Affected: yes. Observed: 1 variant allele.
Comment: ACMG Criteria: PM2_SUP,PP3

Labcorp Genetics (formerly Invitae), Labcorp
Classification: Uncertain significance. Last evaluated: 2022-06-23. Review status: criteria provided, single submitter. Criteria: Invitae Variant Classification Sherloc (09022015). Collection method: clinical testing. Allele origin: germline.
Comment: In summary, the available evidence is currently insufficient to determine the role of this variant in disease. Therefore, it has been classified as a Variant of Uncertain Significance. Algorithms developed to predict the effect of sequence changes on RNA splicing suggest that this variant may disrupt the consensus splice site. This variant has not been reported in the literature in individuals affected with TMTC3-related conditions. This variant is present in population databases (rs772593291, gnomAD 0.0009%). This variant, c.1709_1711del, results in the deletion of 1 amino acid(s) of the TMTC3 protein (p.Gly570del), but otherwise preserves the integrity of the reading frame.